The following is an entry in ClinVar:

ClinVar aggregate classification (germline): Uncertain significance. Review status: criteria provided, multiple submitters, no conflicts (2 of 4 stars). 2 submissions from 2 submitters: Uncertain significance (2). Last evaluated 2025-10-15.

Conditions:
KCNA1-related disorder. Also called: KCNA1-related disorders; KCNA1-related condition.
Episodic ataxia type 1 (EA1). Also called: ATAXIA, EPISODIC, WITH MYOKYMIA; MYOKYMIA WITH PERIODIC ATAXIA; PAROXYSMAL ATAXIA WITH NEUROMYOTONIA, HEREDITARY; Episodic ataxia/myokymia syndrome. Identifiers: Orphanet 37612, Orphanet 972, MedGen C1719788, MONDO:0008047, OMIM 160120.

Allele frequency attached by ClinVar (database versions not stated): TOPMed 0.00001; ExAC 0.00002; gnomAD 0.00002; gnomAD exomes 0.00007.

Submissions (2):

PreventionGenetics, part of Exact Sciences
Classification: Uncertain significance for KCNA1-related condition. Last evaluated: 2025-10-15. Review status: criteria provided, single submitter. Criteria: ACMG Guidelines, 2015. Collection method: clinical testing. Allele origin: germline.
Comment: The KCNA1 c.577A>G variant is predicted to result in the amino acid substitution p.Lys193Glu. To our knowledge, this variant has not been reported in the literature. This variant is reported in 0.0031% of alleles in individuals of European (Non-Finnish) descent in gnomAD. At this time, the clinical significance of this variant is uncertain due to the absence of conclusive functional and genetic evidence.

Labcorp Genetics (formerly Invitae), Labcorp
Classification: Uncertain significance for Episodic ataxia type 1. Last evaluated: 2025-03-23. Review status: criteria provided, single submitter. Criteria: Invitae Variant Classification Sherloc (09022015). Collection method: clinical testing. Allele origin: germline.
Comment: This sequence change replaces lysine, which is basic and polar, with glutamic acid, which is acidic and polar, at codon 193 of the KCNA1 protein (p.Lys193Glu). This variant is present in population databases (rs772878919, gnomAD 0.004%). This missense change has been observed in individual(s) with clinical features of KCNA1-related conditions (internal data). ClinVar contains an entry for this variant (Variation ID: 2058645). Invitae Evidence Modeling of protein sequence and biophysical properties (such as structural, functional, and spatial information, amino acid conservation, physicochemical variation, residue mobility, and thermodynamic stability) has been performed for this missense variant. However, the output from this modeling did not meet the statistical confidence thresholds required to predict the impact of this variant on KCNA1 protein function. In summary, the available evidence is currently insufficient to determine the role of this variant in disease. Therefore, it has been classified as a Variant of Uncertain Significance.

NM_000217.3(KCNA1):c.577A>G (p.Lys193Glu)

Gene: KCNA1 (potassium voltage-gated channel subfamily A member 1; plus strand). Cytogenetic location: 12p13.32.
Variant type: single nucleotide variant.
Coding change: c.577A>G on transcript NM_000217.3 (MANE Select); coding-DNA position 577, A replaced by G.
Protein change: p.Lys193Glu; replaces lysine 193 with glutamic acid.
Molecular consequence: missense variant.
Genome position (GRCh38, 1-based): chr12:4,911,955, A>G. VCF-style: chr12-4911955-A-G. GRCh37 (hg19) VCF-style: chr12-5021121-A-G.
Other names: c.577A>G (NM_000217.2); short protein forms K193E.
Identifiers: ClinVar variation 2058645 (VCV002058645.5), dbSNP rs772878919, ClinGen allele CA6399404.
Genomic context (GRCh38, chr12:4,911,955, plus strand): 5'-TCCGTCATGGTCATCCTCATCTCCATCGTCATCTTTTGCCTGGAGACGCTCCCCGAGCTG[A>G]AGGATGACAAGGACTTCACGGGCACCGTCCACCGCATCGACAACACCACGGTCATCTACA-3'
Protein context (NP_000208.2, residues 183-203): IFCLETLPEL[Lys193Glu]DDKDFTGTVH